The following is an entry in ClinVar:

ClinVar aggregate classification (germline): Benign. Review status: criteria provided, multiple submitters, no conflicts (2 of 4 stars). 3 submissions from 3 submitters: Benign (2). 1 of the submissions does not count toward it. Last evaluated 2018-07-05.

Conditions:
CAPN12-related disorder. Also called: CAPN12-related condition.

Allele frequency attached by ClinVar (database versions not stated): 1000 Genomes Project 30x 0.11493; 1000 Genomes Project 0.11542; TOPMed 0.14565; gnomAD 0.14780 and 0.14883; ESP Exome Variant Server 0.14992; gnomAD exomes 0.15524 and 0.17102; ExAC 0.17386.

Submissions (3):

GeneDx
Classification: Benign. Last evaluated: 2018-07-05. Review status: criteria provided, single submitter. Criteria: GeneDx Variant Classification Process June 2021. Collection method: clinical testing. Allele origin: germline. Affected: yes.

Breakthrough Genomics
Classification: Benign. Review status: criteria provided, single submitter. Criteria: ACMG Guidelines, 2015. Collection method: not provided. Allele origin: germline. Inheritance: Unknown mechanism. Affected: yes.

PreventionGenetics, part of Exact Sciences
Classification: Benign for CAPN12-related condition. Last evaluated: 2019-12-06. Review status: no assertion criteria provided. Collection method: clinical testing. Allele origin: germline. Not counted in ClinVar's aggregate classification.
Comment: This variant is classified as benign based on ACMG/AMP sequence variant interpretation guidelines (Richards et al. 2015 PMID: 25741868, with internal and published modifications).

NM_144691.4(CAPN12):c.1000A>G (p.Thr334Ala)

Gene: CAPN12 (calpain 12; minus strand). Cytogenetic location: 19q13.2.
Variant type: single nucleotide variant.
Coding change: c.1000A>G on transcript NM_144691.4 (MANE Select); coding-DNA position 1000, A replaced by G.
Protein change: p.Thr334Ala; replaces threonine 334 with alanine.
Molecular consequence: missense variant.
Genome position (GRCh38, 1-based): chr19:38,737,604, T>C on the plus strand (A>G on the coding strand, the complement: CAPN12 is on the minus strand). VCF-style: chr19-38737604-T-C. GRCh37 (hg19) VCF-style: chr19-39228244-T-C.
Other names: short protein forms T334A.
Identifiers: ClinVar variation 1293793 (VCV001293793.5), dbSNP rs73038948, ClinGen allele CA9418926.